The following is an entry in ClinVar:

ClinVar aggregate classification (germline): Pathogenic/Likely pathogenic. Review status: criteria provided, multiple submitters, no conflicts (2 of 4 stars). 6 submissions from 6 submitters: Pathogenic (5); Likely pathogenic (1). Last evaluated 2025-06-12.

Conditions:
ARID1B-related BAFopathy.
Coffin-Siris syndrome 1 (CSS1). Also called: Mental retardation, autosomal dominant 12; ARID1B-Related Coffin-Siris Syndrome. Identifiers: Orphanet 1465, MedGen C3281201, MONDO:0007617, OMIM 135900. Disease mechanism: gain of function.

Submissions (6):

3billion
Classification: Pathogenic for Coffin-Siris syndrome 1. Last evaluated: 2025-06-12. Review status: criteria provided, single submitter. Criteria: ACMG Guidelines, 2015. Collection method: clinical testing. Allele origin: germline. Affected: yes.
Comment: The variant is not observed in the gnomAD v4.1.0 dataset. Predicted Consequence/Location: Frameshift: predicted to result in a loss or disruption of normal protein function through nonsense-mediated decay (NMD) or protein truncation. Multiple pathogenic variants are reported downstream of the variant. The variant has been reported at least twice as pathogenic with clinical assertions and evidence for the classification (ClinVar ID: VCV000974828 /PMID: 32860008). Therefore, this variant is classified as Pathogenic according to the recommendation of ACMG/AMP guideline.

GeneDx
Classification: Pathogenic. Last evaluated: 2022-01-02. Review status: criteria provided, single submitter. Criteria: GeneDx Variant Classification Process June 2021. Collection method: clinical testing. Allele origin: germline. Affected: yes.
Comment: Identified in a patient with features of Coffin-Siris syndrome in published literature (Bertoli-Avella AM et al., 2021); Frameshift variant predicted to result in protein truncation or nonsense mediated decay in a gene for which loss-of-function is a known mechanism of disease; Not observed in large population cohorts (Lek et al., 2016); This variant is associated with the following publications: (PMID: 32860008)

Genome-Nilou Lab
Classification: Pathogenic for Coffin-Siris syndrome 1. Last evaluated: 2021-07-15. Review status: criteria provided, single submitter. Criteria: ACMG Guidelines, 2015. Collection method: clinical testing. Allele origin: germline. Affected: no.

Baylor Genetics
Classification: Pathogenic for ARID1B-related BAFopathy. Last evaluated: 2021-06-10. Review status: criteria provided, single submitter. Criteria: ACMG Guidelines, 2015. Collection method: clinical testing. Allele origin: de novo. Affected: yes.

CENTOGENE GmbH and LLC - Guiding Precision Medicine
Classification: Likely pathogenic for Coffin-Siris syndrome 1. Review status: criteria provided, single submitter. Criteria: ACMG Guidelines, 2015. Collection method: clinical testing. Allele origin: germline. Affected: yes.

Juno Genomics, Hangzhou Juno Genomics, Inc
Classification: Pathogenic for Coffin-Siris syndrome 1. Review status: criteria provided, single submitter. Criteria: ACMG Guidelines, 2015. Collection method: clinical testing. Allele origin: germline. Affected: yes.
Comment: Absent from controls (or at extremely low frequency if recessive) in Genome Aggregation Database, Exome Sequencing Project, 1000 Genomes Project, or Exome Aggregation Consortium.;De novo (both maternity and paternity confirmed) in a patient with the disease and no family history.;Null variant in a gene where loss of function (LOF) is a known mechanism of disease.

Literature cited by the submitters: PubMed 32860008 (cited by 3billion and CENTOGENE GmbH and LLC - Guiding Precision Medicine).

NM_001374828.1(ARID1B):c.1629_1647del (p.Gly544fs)

Gene: ARID1B (AT-rich interaction domain 1B; plus strand). Cytogenetic location: 6q25.3.
Variant type: Deletion.
Coding change: c.1629_1647del on transcript NM_001374828.1 (MANE Select); coding-DNA positions 1629 to 1647, 19 bases deleted (GGGGGCGGCGGCGGGCGGC).
Protein change: p.Gly544fs; shifts the reading frame from glycine 544.
Molecular consequence: frameshift variant.
Genome position (GRCh38, 1-based): chr6:156,779,309-156,779,327, GGGGGCGGCGGCGGGCGGC deleted; deleting any 19 consecutive bases within chr6:156,779,303-156,779,327 gives the same sequence; the c. name uses the placement nearest the transcript's 3' end. VCF-style (leftmost placement, unchanged base first): chr6-156779302-CGGCGGCGGGGGCGGCGGCG-C. GRCh37 (hg19) VCF-style: chr6-157100436-CGGCGGCGGGGGCGGCGGCG-C.
Other names: c.1380_1398del (NM_020732.3, NM_001346813.1); c.1629_1647del, p.Gly544fs (NM_001371656.1, NM_001374820.1, NM_017519.3); short protein forms G544fs.
Identifiers: ClinVar variation 974828 (VCV000974828.9), dbSNP rs1779004027, ClinGen allele CA645563656.